The following is an entry in ClinVar:

NM_024422.6(DSC2):c.301A>G (p.Thr101Ala)

Gene: DSC2 (desmocollin 2; minus strand). Cytogenetic location: 18q12.1.
Variant type: single nucleotide variant.
Coding change: c.301A>G on transcript NM_024422.6 (MANE Select); coding-DNA position 301, A replaced by G.
Protein change: p.Thr101Ala; replaces threonine 101 with alanine.
Molecular consequence: missense variant.
Genome position (GRCh38, 1-based): chr18:31,092,154, T>C on the plus strand (A>G on the coding strand, the complement: DSC2 is on the minus strand). VCF-style: chr18-31092154-T-C. GRCh37 (hg19) VCF-style: chr18-28672117-T-C.
Other names: c.301A>G (NM_024422.3); c.301A>G, p.Thr101Ala (NM_004949.5); short protein forms T101A.
Identifiers: ClinVar variation 1397990 (VCV001397990.9), dbSNP rs1372970572, ClinGen allele CA402114679.

ClinVar aggregate classification (germline): Uncertain significance. Review status: criteria provided, multiple submitters, no conflicts (2 of 4 stars). 3 submissions from 3 submitters: Uncertain significance (3). Last evaluated 2026-02-23.

Conditions:
Cardiovascular phenotype. Identifiers: MedGen CN230736.
Cardiomyopathy (CMYO). Also called: Cardiomyopathies. Identifiers: Orphanet 167848, MedGen C0878544, MONDO:0004994, HP:0001638. Inheritance: Various modes of inheritance.
Arrhythmogenic right ventricular dysplasia 11. Also called: Arrhythmogenic right ventricular dysplasia 11 with mild palmoplantar keratoderma and woolly hair; Arrhythmogenic Right Ventricular Dysplasia/Cardiomyopathy11; ARRHYTHMOGENIC RIGHT VENTRICULAR DYSPLASIA, FAMILIAL, 11. Identifiers: MedGen C1864850, MONDO:0012506, OMIM 610476.

Allele frequency attached by ClinVar (database versions not stated): gnomAD exomes below 0.00001; TOPMed 0.00002.
gnomAD v4.1: 6 of 1,613,466 alleles (0.00037%); highest among the groups gnomAD compares: Non-Finnish European, 0.00042%; no homozygotes.

Submissions (3):

Ambry Genetics
Classification: Uncertain significance for Cardiovascular phenotype. Last evaluated: 2026-02-23. Review status: criteria provided, single submitter. Criteria: Ambry Variant Classification Scheme 2023. Collection method: clinical testing. Allele origin: germline.

Labcorp Genetics (formerly Invitae), Labcorp
Classification: Uncertain significance for Arrhythmogenic right ventricular dysplasia 11. Last evaluated: 2025-11-21. Review status: criteria provided, single submitter. Criteria: Invitae Variant Classification Sherloc (09022015). Collection method: clinical testing. Allele origin: germline.
Comment: This sequence change replaces threonine, which is neutral and polar, with alanine, which is neutral and non-polar, at codon 101 of the DSC2 protein (p.Thr101Ala). This variant is not present in population databases (gnomAD no frequency). This variant has not been reported in the literature in individuals affected with DSC2-related conditions. ClinVar contains an entry for this variant (Variation ID: 1397990). Invitae Evidence Modeling of protein sequence and biophysical properties (such as structural, functional, and spatial information, amino acid conservation, physicochemical variation, residue mobility, and thermodynamic stability) indicates that this missense variant is not expected to disrupt DSC2 protein function with a negative predictive value of 80%. In summary, the available evidence is currently insufficient to determine the role of this variant in disease. Therefore, it has been classified as a Variant of Uncertain Significance.

Color Diagnostics, LLC DBA Color Health
Classification: Uncertain significance for Cardiomyopathy. Last evaluated: 2024-03-06. Review status: criteria provided, single submitter. Criteria: ACMG Guidelines, 2015. Collection method: clinical testing. Allele origin: germline.
Comment: This missense variant replaces threonine with alanine at codon 101 of the DSC2 protein. Computational prediction suggests that this variant may not impact protein structure and function (internally defined REVEL score threshold <= 0.5, PMID: 27666373). To our knowledge, functional studies have not been reported for this variant. This variant has not been reported in individuals affected with cardiovascular disorders in the literature. This variant has not been identified in the general population by the Genome Aggregation Database (gnomAD). The available evidence is insufficient to determine the role of this variant in disease conclusively. Therefore, this variant is classified as a Variant of Uncertain Significance.